The following is an entry in ClinVar:

NM_004958.4(MTOR):c.7316A>G (p.Asn2439Ser)

Gene: MTOR (mechanistic target of rapamycin kinase; minus strand). Cytogenetic location: 1p36.22.
Variant type: single nucleotide variant.
Coding change: c.7316A>G on transcript NM_004958.4 (MANE Select); coding-DNA position 7316, A replaced by G.
Protein change: p.Asn2439Ser; replaces asparagine 2439 with serine.
Molecular consequence: missense variant.
Genome position (GRCh38, 1-based): chr1:11,112,902, T>C on the plus strand (A>G on the coding strand, the complement: MTOR is on the minus strand). VCF-style: chr1-11112902-T-C. GRCh37 (hg19) VCF-style: chr1-11172959-T-C.
Other names: c.7316A>G, p.Asn2439Ser (NM_001386500.1); c.6068A>G, p.Asn2023Ser (NM_001386501.1); short protein forms N2023S, N2439S.
Identifiers: ClinVar variation 1314559 (VCV001314559.5), dbSNP rs1641967823, ClinGen allele CA338380534.

ClinVar aggregate classification (germline): Conflicting classifications of pathogenicity. Review status: criteria provided, conflicting classifications (1 of 4 stars). 2 submissions from 2 submitters: Uncertain significance (1); Benign (1). Last evaluated 2024-07-22.

Allele frequency attached by ClinVar (database versions not stated): TOPMed 0.00001.

Submissions (2):

Labcorp Genetics (formerly Invitae), Labcorp
Classification: Benign. Last evaluated: 2024-07-22. Review status: criteria provided, single submitter. Criteria: Invitae Variant Classification Sherloc (09022015). Collection method: clinical testing. Allele origin: germline.

GeneDx
Classification: Uncertain significance. Last evaluated: 2021-04-02. Review status: criteria provided, single submitter. Criteria: GeneDx Variant Classification Process June 2021. Collection method: clinical testing. Allele origin: germline. Affected: yes.
Comment: Not observed in large population cohorts (Lek et al., 2016); In silico analysis supports that this missense variant does not alter protein structure/function; Has not been previously published as pathogenic or benign to our knowledge